The following is an entry in ClinVar:

NM_000969.5(RPL5):c.758A>G (p.Tyr253Cys)

Genes: DIPK1A (divergent protein kinase domain 1A; minus strand), RPL5 (ribosomal protein L5; plus strand). Cytogenetic location: 1p22.1.
Variant type: single nucleotide variant.
Coding change: c.758A>G on transcript NM_000969.5 (MANE Select); coding-DNA position 758, A replaced by G.
Protein change: p.Tyr253Cys; replaces tyrosine 253 with cysteine.
Molecular consequence: missense variant. On other transcripts: non-coding transcript variant (1), intron variant (1).
Genome position (GRCh38, 1-based): chr1:92,840,603, A>G. VCF-style: chr1-92840603-A-G. GRCh37 (hg19) VCF-style: chr1-93306160-A-G.
Other names: c.474+6580T>C (NM_001252273.2); short protein forms Y253C.
Identifiers: ClinVar variation 4761058 (VCV004761058.1).

ClinVar aggregate classification (germline): Uncertain significance (1 of 4 stars; one submission).

Conditions:
Diamond-Blackfan anemia. Also called: Blackfan Diamond syndrome; Aregenerative anemia chronic congenital; Red cell aplasia, pure hereditary; Congenital hypoplastic anemia; Aase syndrome. Identifiers: Orphanet 124, MedGen C1260899, MeSH D029503, MONDO:0015253, HP:0004810.

gnomAD v4.1: 13 of 1,612,316 alleles (0.00081%); highest among the groups gnomAD compares: South Asian, 0.0011%; no homozygotes.

Submission:

Labcorp Genetics (formerly Invitae), Labcorp
Classification: Uncertain significance for Diamond-Blackfan anemia. Last evaluated: 2025-04-11. Review status: criteria provided, single submitter. Criteria: Invitae Variant Classification Sherloc (09022015). Collection method: clinical testing. Allele origin: germline.
Comment: This sequence change replaces tyrosine, which is neutral and polar, with cysteine, which is neutral and slightly polar, at codon 253 of the RPL5 protein (p.Tyr253Cys). This variant is not present in population databases (gnomAD no frequency). This variant has not been reported in the literature in individuals affected with RPL5-related conditions. Invitae Evidence Modeling of protein sequence and biophysical properties (such as structural, functional, and spatial information, amino acid conservation, physicochemical variation, residue mobility, and thermodynamic stability) indicates that this missense variant is not expected to disrupt RPL5 protein function with a negative predictive value of 80%. In summary, the available evidence is currently insufficient to determine the role of this variant in disease. Therefore, it has been classified as a Variant of Uncertain Significance.